The following is an entry in ClinVar:

NM_000083.3(CLCN1):c.1582+66T>C

Gene: CLCN1 (chloride voltage-gated channel 1; plus strand). Cytogenetic location: 7q34.
Variant type: single nucleotide variant.
Coding change: c.1582+66T>C on transcript NM_000083.3 (MANE Select); 66 bases into the intron after coding-DNA position 1582, T replaced by C.
Molecular consequence: intron variant.
Genome position (GRCh38, 1-based): chr7:143,339,687, T>C. VCF-style: chr7-143339687-T-C. GRCh37 (hg19) VCF-style: chr7-143036780-T-C.
Identifiers: ClinVar variation 680255 (VCV000680255.2), dbSNP rs34219073, ClinGen allele CA12486592.

ClinVar aggregate classification (germline): Benign. Review status: criteria provided, multiple submitters, no conflicts (2 of 4 stars). 2 submissions from 2 submitters: Benign (2). Last evaluated 2018-06-19.

Allele frequency attached by ClinVar (database versions not stated): gnomAD 0.07271 and 0.07792; TOPMed 0.09171; gnomAD exomes 0.09209; 1000 Genomes Project 30x 0.13632; 1000 Genomes Project 0.13878.
gnomAD v4.1: 86,441 of 958,140 alleles (9%); highest among the groups gnomAD compares: East Asian, 25%; 5,864 homozygotes.

Submissions (2):

GeneDx
Classification: Benign. Last evaluated: 2018-06-19. Review status: criteria provided, single submitter. Criteria: GeneDx Variant Classification (06012015). Collection method: clinical testing. Allele origin: germline. Affected: yes.
Comment: This variant is considered likely benign or benign based on one or more of the following criteria: it is a conservative change, it occurs at a poorly conserved position in the protein, it is predicted to be benign by multiple in silico algorithms, and/or has population frequency not consistent with disease.

Breakthrough Genomics
Classification: Benign. Review status: criteria provided, single submitter. Criteria: ACMG Guidelines, 2015. Collection method: not provided. Allele origin: germline. Inheritance: Autosomal recessive inheritance. Affected: yes.